The following is an entry in ClinVar:

NM_004360.5(CDH1):c.170T>G (p.Phe57Cys)

Gene: CDH1 (cadherin 1; plus strand). Cytogenetic location: 16q22.1.
Variant type: single nucleotide variant.
Coding change: c.170T>G on transcript NM_004360.5 (MANE Select); coding-DNA position 170, T replaced by G.
Protein change: p.Phe57Cys; replaces phenylalanine 57 with cysteine.
Molecular consequence: missense variant. On other transcripts: 5 prime UTR variant (2).
Genome position (GRCh38, 1-based): chr16:68,801,676, T>G. VCF-style: chr16-68801676-T-G. GRCh37 (hg19) VCF-style: chr16-68835579-T-G.
Other names: c.170T>G, p.Phe57Cys (NM_001317184.2); c.-1446T>G (NM_001317185.2); c.-1650T>G (NM_001317186.2); short protein forms F57C.
Identifiers: ClinVar variation 927492 (VCV000927492.5), dbSNP rs1960504225, ClinGen allele CA396457089.
Genomic context (GRCh38, chr16:68,801,676, plus strand): 5'-GCTCTTGTCTTTAATCTGTCCAATTTCCTAATCTCTGTGATTTCTGCCCTGCAGTGAATT[T>G]TGAAGATTGCACCGGTCGACAAAGGACAGCCTATTTTTCCCTCGACACCCGATTCAAAGT-3'
Protein context (NP_004351.1, residues 47-67): ERGRVLGRVN[Phe57Cys]EDCTGRQRTA

ClinVar aggregate classification (germline): Uncertain significance (1 of 4 stars; one submission).

Conditions:
Hereditary cancer-predisposing syndrome. Also called: Neoplastic Syndromes, Hereditary; Hereditary Cancer Syndrome; Tumor predisposition; Hereditary neoplastic syndrome. Identifiers: Orphanet 140162, MedGen C0027672, MeSH D009386, MONDO:0015356.

Submission:

Color Diagnostics, LLC DBA Color Health
Classification: Uncertain significance for Hereditary cancer-predisposing syndrome. Last evaluated: 2023-12-04. Review status: criteria provided, single submitter. Criteria: ACMG Guidelines, 2015. Collection method: clinical testing. Allele origin: germline.
Comment: This missense variant replaces phenylalanine with cysteine at codon 57 of the CDH1 protein. Computational prediction tools and conservation analyses are inconclusive regarding the impact of this variant on the protein function. Computational splicing tools suggest that this variant may not impact RNA splicing. To our knowledge, functional assays have not been performed for this variant nor has this variant been reported in individuals affected with hereditary cancer in the literature. This variant has not been identified in the general population by the Genome Aggregation Database (gnomAD). Available evidence is insufficient to determine the role of this variant in disease conclusively. Therefore, this variant is classified as a Variant of Uncertain Significance.